The following is an entry in ClinVar:

NM_001145809.2(MYH14):c.63C>T (p.Pro21=)

Gene: MYH14 (myosin heavy chain 14; plus strand). Cytogenetic location: 19q13.33.
Variant type: single nucleotide variant.
Coding change: c.63C>T on transcript NM_001145809.2 (MANE Select); coding-DNA position 63, C replaced by T.
Protein change: p.Pro21=; no amino-acid change (proline 21 retained).
Molecular consequence: synonymous variant.
Genome position (GRCh38, 1-based): chr19:50,210,428, C>T. VCF-style: chr19-50210428-C-T. GRCh37 (hg19) VCF-style: chr19-50713685-C-T.
Other names: c.63C>T, p.Pro21= (NM_001077186.2, NM_024729.4).
Identifiers: ClinVar variation 3341891 (VCV003341891.16).

ClinVar aggregate classification (germline): Likely benign (1 of 4 stars; one submission).

gnomAD v4.1: 24 of 1,557,678 alleles (0.0015%); highest among the groups gnomAD compares: South Asian, 0.0094%; no homozygotes.

Submission:

CeGaT Center for Human Genetics Tuebingen
Classification: Likely benign. Last evaluated: 2024-08-01. Review status: criteria provided, single submitter. Criteria: CeGaT Center For Human Genetics Tuebingen Variant Classification Criteria Version 2. Collection method: clinical testing. Allele origin: germline. Affected: yes. Observed: 1 variant allele.
Comment: MYH14: BP4, BP7